The following is an entry in ClinVar:

NM_000256.3(MYBPC3):c.2683C>T (p.Arg895Cys)

Gene: MYBPC3 (myosin binding protein C3; minus strand). Cytogenetic location: 11p11.2.
Variant type: single nucleotide variant.
Coding change: c.2683C>T on transcript NM_000256.3 (MANE Select); coding-DNA position 2683, C replaced by T.
Protein change: p.Arg895Cys; replaces arginine 895 with cysteine.
Molecular consequence: missense variant.
Genome position (GRCh38, 1-based): chr11:47,335,931, G>A on the plus strand (C>T on the coding strand, the complement: MYBPC3 is on the minus strand). VCF-style: chr11-47335931-G-A. GRCh37 (hg19) VCF-style: chr11-47357482-G-A.
Other names: c.2683C>T, p.Arg895Cys (LRG_386t1); short protein forms R895C.
Identifiers: ClinVar variation 407320 (VCV000407320.22), dbSNP rs374976635, ClinGen allele CA078906.
Genomic context (GRCh38, chr11:47,335,931, plus strand): 5'-ACTCACAGCCCTCTGGGCAGTACTCCACGCTGTAGCCATCCAGGCCTCCTGCTCCCACGC[G>A]CTCTGGGGGCCGCCACTTGAGGGAGACCGTGGTGTCAGAGACGTCCTCTACTGCCAGGTG-3'
Protein context (NP_000247.2, residues 885-905): TVSLKWRPPE[Arg895Cys]VGAGGLDGYS

ClinVar aggregate classification (germline): Uncertain significance. Review status: criteria provided, multiple submitters, no conflicts (2 of 4 stars). 9 submissions from 9 submitters: Uncertain significance (9). Last evaluated 2026-03-27.

Conditions:
Cardiovascular phenotype. Identifiers: MedGen CN230736.
Hypertrophic cardiomyopathy 4. Also called: Familial hypertrophic cardiomyopathy 4. Identifiers: MedGen C1861862, MONDO:0007268, OMIM 115197.
Left ventricular noncompaction 10 (LVNC10). Identifiers: Orphanet 154, Orphanet 54260, MedGen C3715165, MONDO:0014163, OMIM 615396.
Cardiomyopathy (CMYO). Also called: Cardiomyopathies. Identifiers: Orphanet 167848, MedGen C0878544, MONDO:0004994, HP:0001638. Inheritance: Various modes of inheritance.
Hypertrophic cardiomyopathy. Also called: HYPERTROPHIC MYOCARDIOPATHY. Identifiers: Orphanet 217569, MedGen C0007194, MeSH D002312, MONDO:0005045, HP:0001639.

Allele frequency attached by ClinVar (database versions not stated): gnomAD 0.00003; TOPMed 0.00003; ExAC 0.00004; ESP Exome Variant Server 0.00008.

Submissions (9):

Molecular Diagnostic Laboratory for Inherited Cardiovascular Disease, Montreal Heart Institute
Classification: Uncertain significance for Cardiovascular phenotype. Last evaluated: 2026-03-27. Review status: criteria provided, single submitter. Criteria: ACMG Guidelines, 2015. Collection method: clinical testing. Allele origin: germline. Affected: yes.
Comment: PM2

Labcorp Genetics (formerly Invitae), Labcorp
Classification: Uncertain significance for Hypertrophic cardiomyopathy. Last evaluated: 2025-11-25. Review status: criteria provided, single submitter. Criteria: Invitae Variant Classification Sherloc (09022015). Collection method: clinical testing. Allele origin: germline.
Comment: This sequence change replaces arginine, which is basic and polar, with cysteine, which is neutral and slightly polar, at codon 895 of the MYBPC3 protein (p.Arg895Cys). The frequency data for this variant in the population databases is considered unreliable, as metrics indicate poor data quality at this position in the gnomAD database. This missense change has been observed in individual(s) with arrhythmia, hypertrophic cardiomyopathy, and/or sudden cardiac death (PMID: 31513939, 37937776). ClinVar contains an entry for this variant (Variation ID: 407320). An algorithm developed to predict the effect of missense changes on protein structure and function (PolyPhen-2) suggests that this variant is likely to be disruptive. In summary, the available evidence is currently insufficient to determine the role of this variant in disease. Therefore, it has been classified as a Variant of Uncertain Significance.

Color Diagnostics, LLC DBA Color Health
Classification: Uncertain significance for Cardiomyopathy. Last evaluated: 2025-10-28. Review status: criteria provided, single submitter. Criteria: ACMG Guidelines, 2015. Collection method: clinical testing. Allele origin: germline.
Comment: This missense variant replaces arginine with cysteine at codon 895 of the MYBPC3 protein. Computational prediction suggests that this variant may not impact protein structure and function. To our knowledge, functional studies have not been reported for this variant. This variant has been reported in an individual affected with hypertrophic cardiomyopathy (PMID: 31513939). This variant has been identified in 21/1556748 chromosomes in the general population by the Genome Aggregation Database (gnomAD). The available evidence is insufficient to determine the role of this variant in disease conclusively. Therefore, this variant is classified as a Variant of Uncertain Significance.

Ambry Genetics
Classification: Uncertain significance for Cardiovascular phenotype. Last evaluated: 2025-10-26. Review status: criteria provided, single submitter. Criteria: Ambry Variant Classification Scheme 2023. Collection method: clinical testing. Allele origin: germline.
Comment: The p.R895C variant (also known as c.2683C>T), located in coding exon 26 of the MYBPC3 gene, results from a C to T substitution at nucleotide position 2683. The arginine at codon 895 is replaced by cysteine, an amino acid with highly dissimilar properties. This variant has been detected in an individual from a hypertrophic cardiomyopathy cohort (Robyns T et al. Eur J Med Genet, 2020 Mar;63:103754). This amino acid position is highly conserved in available vertebrate species. In addition, this alteration is predicted to be deleterious by in silico analysis. Since supporting evidence is limited at this time, the clinical significance of this alteration remains unclear.

All of Us Research Program, National Institutes of Health
Classification: Uncertain significance for Hypertrophic cardiomyopathy. Last evaluated: 2024-08-06. Review status: criteria provided, single submitter. Criteria: ACMG Guidelines, 2015. Collection method: clinical testing. Allele origin: germline. Inheritance: Autosomal dominant inheritance. Observed: 6 variant alleles, 6 heterozygotes.
Comment: This missense variant replaces arginine with cysteine at codon 895 of the MYBPC3 protein. Computational prediction suggests that this variant may have deleterious impact on protein structure and function (internally defined REVEL score threshold >= 0.7, PMID: 27666373). Splice site prediction tools suggest that this variant may not impact RNA splicing. To our knowledge, functional studies have not been performed for this variant. This variant has not been reported in individuals affected with cardiovascular disorders in the literature. This variant has not been identified in the general population by the Genome Aggregation Database (gnomAD). The available evidence is insufficient to determine the role of this variant in disease conclusively. Therefore, this variant is classified as a Variant of Uncertain Significance.

This study involves interpretation of variants in research participants for the purpose of population health screening. Participant phenotype was not available at the time of variant classification. Additional details can be found in publication PMID: 35346344, PMCID: PMC8962531

Blueprint Genetics
Classification: Uncertain significance. Last evaluated: 2022-06-20. Review status: criteria provided, single submitter. Criteria: ACMG Guidelines, 2015. Collection method: clinical testing. Allele origin: germline.

Fulgent Genetics
Classification: Uncertain significance for Hypertrophic cardiomyopathy 4; Left ventricular noncompaction 10. Last evaluated: 2021-07-06. Review status: criteria provided, single submitter. Criteria: ACMG Guidelines, 2015. Collection method: clinical testing. Allele origin: unknown.

GeneDx
Classification: Uncertain significance. Last evaluated: 2019-10-25. Review status: criteria provided, single submitter. Criteria: GeneDx Variant Classification Process June 2021. Collection method: clinical testing. Allele origin: germline. Affected: yes.
Comment: Has not been previously published as pathogenic or benign to our knowledge; Reported in ClinVar as a variant of uncertain significance by two other laboratories (ClinVar Variant ID#407320; Landrum et al., 2016); In silico analysis, which includes protein predictors and evolutionary conservation, supports a deleterious effect; This variant is associated with the following publications: (PMID: 31513939)

Center for Human Genetics, University of Leuven
Classification: Uncertain significance for Hypertrophic cardiomyopathy. Last evaluated: 2018-10-31. Review status: criteria provided, single submitter. Criteria: ACMG Guidelines, 2015. Collection method: clinical testing. Allele origin: germline. Affected: yes.

Literature cited by the submitters: PubMed 31513939 (cited by 3 submitters); PubMed 37937776 (cited by Labcorp Genetics (formerly Invitae), Labcorp).